The following is an entry in ClinVar:

NM_004736.4(XPR1):c.1159C>A (p.His387Asn)

Gene: XPR1 (xenotropic and polytropic retrovirus receptor 1; plus strand). Cytogenetic location: 1q25.3.
Variant type: single nucleotide variant.
Coding change: c.1159C>A on transcript NM_004736.4 (MANE Select); coding-DNA position 1159, C replaced by A.
Protein change: p.His387Asn; replaces histidine 387 with asparagine.
Molecular consequence: missense variant.
Genome position (GRCh38, 1-based): chr1:180,834,898, C>A. VCF-style: chr1-180834898-C-A. GRCh37 (hg19) VCF-style: chr1-180804034-C-A.
Other names: c.1159C>A (NM_004736.3); c.1159C>A, p.His387Asn (NM_001135669.2, NM_001328662.2); short protein forms H387N.
Identifiers: ClinVar variation 3895707 (VCV003895707.3).

ClinVar aggregate classification (germline): Uncertain significance. Review status: criteria provided, multiple submitters, no conflicts (2 of 4 stars). 2 submissions from 2 submitters: Uncertain significance (2). Last evaluated 2025-11-06.

Submissions (2):

Women's Health and Genetics/Laboratory Corporation of America, LabCorp
Classification: Uncertain significance. Last evaluated: 2025-11-06. Review status: criteria provided, single submitter. Criteria: LabCorp Variant Classification Summary - May 2015. Collection method: clinical testing. Allele origin: germline.
Comment: Variant summary: XPR1 c.1159C>A (p.His387Asn) results in a conservative amino acid change in the encoded protein sequence. Algorithms developed to predict the effect of missense changes on protein structure and function are either unavailable or do not agree on the potential impact of this missense change. The variant was absent in 249996 control chromosomes. The available data on variant occurrences in the general population are insufficient to allow any conclusion about variant significance. To our knowledge, no occurrence of c.1159C>A in individuals affected with XPR1-related conditions and no experimental evidence demonstrating its impact on protein function have been reported. ClinVar contains an entry for this variant (Variation ID: 3895707). Based on the evidence outlined above, the variant was classified as uncertain significance.

GeneDx
Classification: Uncertain significance. Last evaluated: 2025-04-09. Review status: criteria provided, single submitter. Criteria: GeneDx Variant Classification Process June 2021. Collection method: clinical testing. Allele origin: germline. Affected: yes.
Comment: Not observed at significant frequency in large population cohorts (gnomAD); In silico analysis supports that this missense variant has a deleterious effect on protein structure/function; Has not been previously published as pathogenic or benign to our knowledge